The following is an entry in ClinVar:

ClinVar aggregate classification (germline): Uncertain significance. Review status: criteria provided, multiple submitters, no conflicts (2 of 4 stars). 2 submissions from 2 submitters: Uncertain significance (2). Last evaluated 2023-02-28.

Conditions:
Bardet-Biedl syndrome 8 (BBS8). Identifiers: Orphanet 110, MedGen C1859566, MONDO:0014436, OMIM 615985.
Retinitis pigmentosa 51 (RP51). Identifiers: Orphanet 791, MedGen C3150715, MONDO:0013274, OMIM 613464.
Inborn genetic diseases. Identifiers: MedGen C0950123, MeSH D030342.

Allele frequency attached by ClinVar (database versions not stated): gnomAD exomes below 0.00001; TOPMed 0.00001; gnomAD 0.00002; ExAC 0.00005.
gnomAD v4.1: 8 of 1,612,712 alleles (0.0005%); highest among the groups gnomAD compares: East Asian, 0.016%; no homozygotes.

Submissions (2):

Ambry Genetics
Classification: Uncertain significance for Inborn genetic diseases. Last evaluated: 2023-02-28. Review status: criteria provided, single submitter. Criteria: Ambry Variant Classification Scheme 2023. Collection method: clinical testing. Allele origin: germline.

Juno Genomics, Hangzhou Juno Genomics, Inc
Classification: Uncertain significance for Retinitis pigmentosa 51; Bardet-Biedl syndrome 8. Review status: criteria provided, single submitter. Criteria: ACMG Guidelines, 2015. Collection method: clinical testing. Allele origin: germline.
Comment: Absent from controls (or at extremely low frequency if recessive) in Genome Aggregation Database.;Multiple lines of computational evidence support a deleterious effect on the gene or gene product.

NM_144596.4(TTC8):c.146C>A (p.Ala49Glu)

Gene: TTC8 (tetratricopeptide repeat domain 8; plus strand). Cytogenetic location: 14q31.3.
Variant type: single nucleotide variant.
Coding change: c.146C>A on transcript NM_144596.4 (MANE Select); coding-DNA position 146, C replaced by A.
Protein change: p.Ala49Glu; replaces alanine 49 with glutamic acid.
Molecular consequence: missense variant. On other transcripts: 5 prime UTR variant (2), non-coding transcript variant (1).
Genome position (GRCh38, 1-based): chr14:88,839,453, C>A. VCF-style: chr14-88839453-C-A. GRCh37 (hg19) VCF-style: chr14-89305797-C-A.
Other names: c.116C>A, p.Ala39Glu (NM_001288781.1, NM_001366535.2, NM_001366536.2 and 2 more transcripts); c.-447C>A (NM_001288782.1); c.-542C>A (NM_001288783.1); short protein forms A39E, A49E.
Identifiers: ClinVar variation 2462202 (VCV002462202.4), dbSNP rs778519148, ClinGen allele CA7302379.